The following is an entry in ClinVar:

ClinVar aggregate classification (germline): Uncertain significance (1 of 4 stars; one submission).

Submission:

Labcorp Genetics (formerly Invitae), Labcorp
Classification: Uncertain significance. Last evaluated: 2025-11-13. Review status: criteria provided, single submitter. Criteria: Invitae Variant Classification Sherloc (09022015). Collection method: clinical testing. Allele origin: germline.
Comment: This sequence change replaces arginine, which is basic and polar, with lysine, which is basic and polar, at codon 242 of the ANO4 protein (p.Arg242Lys). This variant is not present in population databases (gnomAD no frequency). This variant has not been reported in the literature in individuals affected with ANO4-related conditions. An algorithm developed to predict the effect of missense changes on protein structure and function (PolyPhen-2) suggests that this variant is likely to be disruptive. In summary, the available evidence is currently insufficient to determine the role of this variant in disease. Therefore, it has been classified as a Variant of Uncertain Significance.

NM_001286615.2(ANO4):c.725G>A (p.Arg242Lys)

Gene: ANO4 (anoctamin 4). Cytogenetic location: 12q23.1.
Variant type: single nucleotide variant.
Coding change: c.725G>A on transcript NM_001286615.2 (MANE Select); coding-DNA position 725, G replaced by A.
Protein change: p.Arg242Lys; replaces arginine 242 with lysine.
Molecular consequence: missense variant.
Genome position (GRCh38, 1-based): chr12:100,987,661, G>A. VCF-style: chr12-100987661-G-A. GRCh37 (hg19) VCF-style: chr12-101381439-G-A.
Other names: c.725G>A, p.Arg242Lys (NM_001286616.1); c.620G>A, p.Arg207Lys (NM_178826.4); short protein forms R242K, R207K.
Identifiers: ClinVar variation 4730230 (VCV004730230.1).